The following is an entry in ClinVar:

NM_001394062.1(MACF1):c.11689G>A (p.Glu3897Lys)

Gene: MACF1 (microtubule actin crosslinking factor 1; plus strand). Cytogenetic location: 1p34.3.
Variant type: single nucleotide variant.
Coding change: c.11689G>A on transcript NM_001394062.1 (MANE Select); coding-DNA position 11689, G replaced by A.
Protein change: p.Glu3897Lys; replaces glutamic acid 3897 with lysine.
Molecular consequence: missense variant.
Genome position (GRCh38, 1-based): chr1:39,357,639, G>A. VCF-style: chr1-39357639-G-A. GRCh37 (hg19) VCF-style: chr1-39823311-G-A.
Other names: c.5503G>A, p.Glu1835Lys (NM_012090.5); short protein forms E1835K, E3897K.
Identifiers: ClinVar variation 4624086 (VCV004624086.2).

ClinVar aggregate classification (germline): Likely benign. Review status: criteria provided, multiple submitters, no conflicts (2 of 4 stars). 2 submissions from 2 submitters: Likely benign (2). Last evaluated 2025-12-04.

Conditions:
Inborn genetic diseases. Identifiers: MedGen C0950123, MeSH D030342.
MACF1-related disorder. Also called: MACF1-related condition.

gnomAD v4.1: 84 of 1,614,164 alleles (0.0052%); highest among the groups gnomAD compares: South Asian, 0.072%; 1 homozygote.

Submissions (2):

PreventionGenetics, part of Exact Sciences
Classification: Likely benign for MACF1-related condition. Last evaluated: 2025-12-04. Review status: criteria provided, single submitter. Criteria: ACMG Guidelines, 2015. Collection method: clinical testing. Allele origin: germline.
Comment: This variant is classified as likely benign based on ACMG/AMP sequence variant interpretation guidelines (Richards et al. 2015 PMID: 25741868, with internal and published modifications).

Ambry Genetics
Classification: Likely benign for Inborn genetic diseases. Last evaluated: 2025-10-21. Review status: criteria provided, single submitter. Criteria: Ambry Variant Classification Scheme 2023. Collection method: clinical testing. Allele origin: germline.